The following is an entry in ClinVar:

ClinVar aggregate classification (germline): Uncertain significance (1 of 4 stars; one submission).

Allele frequency attached by ClinVar (database versions not stated): gnomAD 0.00001; gnomAD exomes 0.00002.

Submission:

Labcorp Genetics (formerly Invitae), Labcorp
Classification: Uncertain significance. Last evaluated: 2022-10-11. Review status: criteria provided, single submitter. Criteria: Invitae Variant Classification Sherloc (09022015). Collection method: clinical testing. Allele origin: germline.
Comment: In summary, the available evidence is currently insufficient to determine the role of this variant in disease. Therefore, it has been classified as a Variant of Uncertain Significance. Algorithms developed to predict the effect of sequence changes on RNA splicing suggest that this variant may disrupt the consensus splice site. ClinVar contains an entry for this variant (Variation ID: 1410134). This variant has not been reported in the literature in individuals affected with GTPBP3-related conditions. This variant is present in population databases (no rsID available, gnomAD 0.006%). This sequence change falls in intron 6 of the GTPBP3 gene. It does not directly change the encoded amino acid sequence of the GTPBP3 protein.

NM_032620.4(GTPBP3):c.975-4G>T

Gene: GTPBP3 (GTP binding protein 3, mitochondrial; plus strand). Cytogenetic location: 19p13.11.
Variant type: single nucleotide variant.
Coding change: c.975-4G>T on transcript NM_032620.4 (MANE Select); 4 bases into the intron before coding-DNA position 975, G replaced by T.
Molecular consequence: intron variant.
Genome position (GRCh38, 1-based): chr19:17,341,040, G>T. VCF-style: chr19-17341040-G-T. GRCh37 (hg19) VCF-style: chr19-17451849-G-T.
Other names: c.1041-4G>T (NM_001195422.1); c.1071-4G>T (NM_133644.4); c.975-67G>T (NM_001128855.3).
Identifiers: ClinVar variation 1410134 (VCV001410134.6), dbSNP rs1156390971, ClinGen allele CA632134436.
Genomic context (GRCh38, chr19:17,341,040, plus strand): 5'-CCTCCACCCAGTGCCTTCAATTGCTCAACCTGGGATCCCCGCTCAGTTGACCTTGCTCCC[G>T]CAGGCTAGAGCAGGCTGACCTCATTCTGGCCATGCTGGATGCTTCTGACCTGGCCTCTCC-3'